The following is an entry in ClinVar:

NM_000053.4(ATP7B):c.3094A>G (p.Ile1032Val)

Gene: ATP7B (ATPase copper transporting beta; minus strand). Cytogenetic location: 13q14.3.
Variant type: single nucleotide variant.
Coding change: c.3094A>G on transcript NM_000053.4 (MANE Select); coding-DNA position 3094, A replaced by G.
Protein change: p.Ile1032Val; replaces isoleucine 1032 with valine.
Molecular consequence: missense variant.
Genome position (GRCh38, 1-based): chr13:51,944,258, T>C on the plus strand (A>G on the coding strand, the complement: ATP7B is on the minus strand). VCF-style: chr13-51944258-T-C. GRCh37 (hg19) VCF-style: chr13-52518394-T-C.
Other names: c.2473A>G, p.Ile825Val (NM_001005918.3); c.2761A>G, p.Ile921Val (NM_001243182.2); c.2860A>G, p.Ile954Val (NM_001330578.2, NM_001406527.1, NM_001406528.1 and 1 more transcripts); c.2842A>G, p.Ile948Val (NM_001330579.2, NM_001406531.1, NM_001406532.1); c.3094A>G, p.Ile1032Val (NM_001406511.1, NM_001406512.1, NM_001406526.1); c.3088A>G, p.Ile1030Val (NM_001406513.1); c.3061A>G, p.Ile1021Val (NM_001406514.1); c.3040A>G, p.Ile1014Val (NM_001406515.1, NM_001406516.1); and 18 more; short protein forms I1014V, I1032V, I816V, I825V, I889V, I921V, I922V, I936V.
Identifiers: ClinVar variation 2173860 (VCV002173860.4), dbSNP rs778631601, ClinGen allele CA6988810.
Genomic context (GRCh38, chr13:51,944,258, plus strand): 5'-GCAGTGTGGCCACATCCCCCAGCAGGAGCACCCGCATGACCCTGGGGACGCCATGGGTAA[T>C]GGTGCCAGTCTTGTCAAACATCACAGTCTTTATCTGCCAAAAACAACCACAACTCACTGA-3'
Protein context (NP_000044.2, residues 1022-1042): KTVMFDKTGT[Ile1032Val]THGVPRVMRV

ClinVar aggregate classification (germline): Uncertain significance. Review status: criteria provided, multiple submitters, no conflicts (2 of 4 stars). 3 submissions from 3 submitters: Uncertain significance (3). Last evaluated 2025-06-24.

Conditions:
Wilson disease (WND). Also called: Wilson's disease. Identifiers: Orphanet 905, MedGen C0019202, MONDO:0010200, OMIM 277900. Disease mechanism: loss of function.

Allele frequency attached by ClinVar (database versions not stated): gnomAD 0.00001; gnomAD exomes 0.00001; ExAC 0.00002; TOPMed 0.00002.
gnomAD v4.1: 17 of 1,613,966 alleles (0.0011%); highest among the groups gnomAD compares: Non-Finnish European, 0.0013%; no homozygotes.

Submissions (3):

Color Diagnostics, LLC DBA Color Health
Classification: Uncertain significance for Wilson disease. Last evaluated: 2025-06-24. Review status: criteria provided, single submitter. Criteria: ACMG Guidelines, 2015. Collection method: clinical testing. Allele origin: germline.
Comment: This missense variant replaces isoleucine with valine at codon 1032 of the ATP7B protein. Computational prediction suggests that this variant may have deleterious impact on protein structure and function. To our knowledge, functional studies have not been reported for this variant. This variant has not been reported in individuals affected with ATP7B-related disorders in the literature. This variant has been identified in 4/248546 chromosomes in the general population by the Genome Aggregation Database (gnomAD). The available evidence is insufficient to determine the role of this variant in disease conclusively. Therefore, this variant is classified as a Variant of Uncertain Significance.

Labcorp Genetics (formerly Invitae), Labcorp
Classification: Uncertain significance for Wilson disease. Last evaluated: 2024-11-05. Review status: criteria provided, single submitter. Criteria: Invitae Variant Classification Sherloc (09022015). Collection method: clinical testing. Allele origin: germline.
Comment: This sequence change replaces isoleucine, which is neutral and non-polar, with valine, which is neutral and non-polar, at codon 1032 of the ATP7B protein (p.Ile1032Val). This variant is present in population databases (rs778631601, gnomAD 0.003%). This variant has not been reported in the literature in individuals affected with ATP7B-related conditions. ClinVar contains an entry for this variant (Variation ID: 2173860). Invitae Evidence Modeling of protein sequence and biophysical properties (such as structural, functional, and spatial information, amino acid conservation, physicochemical variation, residue mobility, and thermodynamic stability) indicates that this missense variant is not expected to disrupt ATP7B protein function with a negative predictive value of 80%. In summary, the available evidence is currently insufficient to determine the role of this variant in disease. Therefore, it has been classified as a Variant of Uncertain Significance.

All of Us Research Program, National Institutes of Health
Classification: Uncertain significance for Wilson disease. Last evaluated: 2023-05-16. Review status: criteria provided, single submitter. Criteria: ACMG Guidelines, 2015. Collection method: clinical testing. Allele origin: germline. Inheritance: Autosomal recessive inheritance. Observed: 1 variant allele, 1 heterozygote.
Comment: This missense variant replaces isoleucine with valine at codon 1032 of the ATP7B protein. Computational prediction suggests that this variant may have deleterious impact on protein structure and function (internally defined REVEL score threshold >= 0.7, PMID: 27666373). To our knowledge, functional studies have not been reported for this variant. This variant has not been reported in individuals affected with ATP7B-related disorders in the literature. This variant has been identified in 4/248546 chromosomes in the general population by the Genome Aggregation Database (gnomAD). The available evidence is insufficient to determine the role of this variant in disease conclusively. Therefore, this variant is classified as a Variant of Uncertain Significance.

This study involves interpretation of variants in research participants for the purpose of population health screening. Participant phenotype was not available at the time of variant classification. Additional details can be found in publication PMID: 35346344, PMCID: PMC8962531